The following is an entry in ClinVar:

NM_001004334.4(GPR179):c.3624G>C (p.Arg1208Ser)

Gene: GPR179 (G protein-coupled receptor 179; minus strand). Cytogenetic location: 17q12.
Variant type: single nucleotide variant.
Coding change: c.3624G>C on transcript NM_001004334.4 (MANE Select); coding-DNA position 3624, G replaced by C.
Protein change: p.Arg1208Ser; replaces arginine 1208 with serine.
Molecular consequence: missense variant.
Genome position (GRCh38, 1-based): chr17:38,329,945, C>G on the plus strand (G>C on the coding strand, the complement: GPR179 is on the minus strand). VCF-style: chr17-38329945-C-G. GRCh37 (hg19) VCF-style: chr17-36485828-C-G.
Other names: short protein forms R1208S.
Identifiers: ClinVar variation 1496620 (VCV001496620.3), dbSNP rs1462225281, ClinGen allele CA398879029.
Genomic context (GRCh38, chr17:38,329,945, plus strand): 5'-AGCTTTGGGCAGTTCCTGCCACCCGACAGGGGTTTCTTTTGATTGCTTGATGTTTTTGTC[C>G]CTGGAAACTTGCCTCAGCATGGCAAGCCCTGTTTTACCTGCTCTCTCAGCTTTCCGTTCC-3'
Protein context (NP_001004334.3, residues 1198-1218): TGLAMLRQVS[Arg1208Ser]DKNIKQSKET

ClinVar aggregate classification (germline): Uncertain significance (1 of 4 stars; one submission).

Allele frequency attached by ClinVar (database versions not stated): gnomAD 0.00002.

Submission:

Labcorp Genetics (formerly Invitae), Labcorp
Classification: Uncertain significance. Last evaluated: 2022-01-17. Review status: criteria provided, single submitter. Criteria: Invitae Variant Classification Sherloc (09022015). Collection method: clinical testing. Allele origin: germline.
Comment: This sequence change replaces arginine, which is basic and polar, with serine, which is neutral and polar, at codon 1208 of the GPR179 protein (p.Arg1208Ser). This variant is not present in population databases (gnomAD no frequency). This variant has not been reported in the literature in individuals affected with GPR179-related conditions. Algorithms developed to predict the effect of missense changes on protein structure and function (SIFT, PolyPhen-2, Align-GVGD) all suggest that this variant is likely to be tolerated. In summary, the available evidence is currently insufficient to determine the role of this variant in disease. Therefore, it has been classified as a Variant of Uncertain Significance.